The following is an entry in ClinVar:

ClinVar aggregate classification (germline): Uncertain significance. Review status: criteria provided, multiple submitters, no conflicts (2 of 4 stars). 5 submissions from 5 submitters: Uncertain significance (4). 1 of the submissions does not count toward it. Last evaluated 2026-05-18.

Conditions:
Bardet-Biedl syndrome (BBS). Identifiers: Orphanet 110, MedGen C0752166, MONDO:0015229.
BBS1-related disorder. Also called: BBS1-related condition.
Bardet-Biedl syndrome 1 (BBS1). Identifiers: MedGen C2936862, MONDO:0008854, OMIM 209900. Disease mechanism: loss of function.

Allele frequency attached by ClinVar (database versions not stated): gnomAD 0.00001; gnomAD exomes 0.00007 and 0.00003; ExAC below 0.00001; TOPMed 0.00002.
gnomAD v4.1: 96 of 1,613,552 alleles (0.0059%); highest among the groups gnomAD compares: Non-Finnish European, 0.0079%; no homozygotes.

Submissions (5):

PreventionGenetics, part of Exact Sciences
Classification: Uncertain significance for BBS1-related condition. Last evaluated: 2026-05-18. Review status: criteria provided, single submitter. Criteria: ACMG Guidelines, 2015. Collection method: clinical testing. Allele origin: germline.
Comment: The BBS1 c.1054A>G variant is predicted to result in the amino acid substitution p.Asn352Asp. To our knowledge, this variant has not been reported in the literature. This variant is reported in 0.0054% of alleles in individuals of European (Non-Finnish) descent in gnomAD. At this time, the clinical significance of this variant is uncertain due to the absence of conclusive functional and genetic evidence.

Labcorp Genetics (formerly Invitae), Labcorp
Classification: Uncertain significance for Bardet-Biedl syndrome. Last evaluated: 2022-04-18. Review status: criteria provided, single submitter. Criteria: Invitae Variant Classification Sherloc (09022015). Collection method: clinical testing. Allele origin: germline.
Comment: This sequence change replaces asparagine, which is neutral and polar, with aspartic acid, which is acidic and polar, at codon 352 of the BBS1 protein (p.Asn352Asp). This variant is present in population databases (rs747656068, gnomAD 0.006%). This variant has not been reported in the literature in individuals affected with BBS1-related conditions. ClinVar contains an entry for this variant (Variation ID: 1026513). Algorithms developed to predict the effect of missense changes on protein structure and function (SIFT, PolyPhen-2, Align-GVGD) all suggest that this variant is likely to be tolerated. In summary, the available evidence is currently insufficient to determine the role of this variant in disease. Therefore, it has been classified as a Variant of Uncertain Significance.

Fulgent Genetics
Classification: Uncertain significance for Bardet-Biedl syndrome 1. Last evaluated: 2021-12-11. Review status: criteria provided, single submitter. Criteria: ACMG Guidelines, 2015. Collection method: clinical testing. Allele origin: unknown.

Blueprint Genetics
Classification: Uncertain significance. Last evaluated: 2021-06-09. Review status: criteria provided, single submitter. Criteria: ACMG Guidelines, 2015. Collection method: clinical testing. Allele origin: germline.

Natera, Inc.
Classification: Uncertain significance for Bardet-Biedl syndrome type 1. Last evaluated: 2020-04-14. Review status: no assertion criteria provided. Collection method: clinical testing. Allele origin: germline. Not counted in ClinVar's aggregate classification.

NM_024649.5(BBS1):c.1054A>G (p.Asn352Asp)

Genes: BBS1 (Bardet-Biedl syndrome 1; plus strand), ZDHHC24 (zDHHC palmitoyltransferase 24; minus strand). Cytogenetic location: 11q13.2.
Variant type: single nucleotide variant.
Coding change: c.1054A>G on transcript NM_024649.5 (MANE Select); coding-DNA position 1054, A replaced by G.
Protein change: p.Asn352Asp; replaces asparagine 352 with aspartic acid.
Molecular consequence: missense variant. On other transcripts: intron variant (1).
Genome position (GRCh38, 1-based): chr11:66,523,826, A>G. VCF-style: chr11-66523826-A-G. GRCh37 (hg19) VCF-style: chr11-66291297-A-G.
Other names: c.1054A>G (NM_024649.4); c.*22-2360T>C (NM_001348571.2); short protein forms N352D.
Identifiers: ClinVar variation 1026513 (VCV001026513.7), dbSNP rs747656068, ClinGen allele CA6123598.